The following is an entry in ClinVar:

ClinVar aggregate classification (germline): Conflicting classifications of pathogenicity. Review status: criteria provided, conflicting classifications (1 of 4 stars). 3 submissions from 3 submitters: Uncertain significance (1); Likely benign (1). 1 of the submissions does not count toward it. Last evaluated 2024-09-13.

Conditions:
CFAP410-related disorder. Also called: CFAP410-related condition.

Allele frequency attached by ClinVar (database versions not stated): TOPMed 0.00019; gnomAD 0.00021 and 0.00022; gnomAD exomes 0.00022 and 0.00047; ExAC 0.00026.
gnomAD v4.1: 689 of 1,549,024 alleles (0.044%); highest among the groups gnomAD compares: Non-Finnish European, 0.053%; 2 homozygotes.

Submissions (3):

Blueprint Genetics
Classification: Likely benign. Last evaluated: 2024-09-13. Review status: criteria provided, single submitter. Criteria: ACMG Guidelines, 2015. Collection method: clinical testing. Allele origin: germline.

GeneDx
Classification: Uncertain significance. Last evaluated: 2019-12-30. Review status: criteria provided, single submitter. Criteria: GeneDx Variant Classification Process June 2021. Collection method: clinical testing. Allele origin: germline. Affected: yes.
Comment: Has not been previously published as pathogenic or benign to our knowledge; In silico analysis, which includes splice predictors and evolutionary conservation, supports that this variant does not alter protein structure/function

PreventionGenetics, part of Exact Sciences
Classification: Uncertain significance for CFAP410-related condition. Last evaluated: 2023-12-20. Review status: no assertion criteria provided. Collection method: clinical testing. Allele origin: germline. Not counted in ClinVar's aggregate classification.
Comment: The CFAP410 c.737T>G variant is predicted to result in the amino acid substitution p.Val246Gly. To our knowledge, this variant has not been reported in the literature. This variant is reported in 0.044% of alleles in individuals of South Asian descent in gnomAD. At this time, the clinical significance of this variant is uncertain due to the absence of conclusive functional and genetic evidence.

NM_004928.3(CFAP410):c.642+98T>G

Gene: CFAP410 (cilia and flagella associated protein 410; minus strand). Cytogenetic location: 21q22.3.
Variant type: single nucleotide variant.
Coding change: c.642+98T>G on transcript NM_004928.3 (MANE Select); 98 bases into the intron after coding-DNA position 642, T replaced by G.
Molecular consequence: intron variant. On other transcripts: missense variant (1).
Genome position (GRCh38, 1-based): chr21:44,330,725, A>C on the plus strand (T>G on the coding strand, the complement: CFAP410 is on the minus strand). VCF-style: chr21-44330725-A-C. GRCh37 (hg19) VCF-style: chr21-45750608-A-C.
Other names: c.737T>G, p.Val246Gly (NM_001271441.2); c.639+98T>G (NM_001271440.2); c.516+98T>G (NM_001271442.1); c.737T>G (NM_001271441.1); short protein forms V246G.
Identifiers: ClinVar variation 1311200 (VCV001311200.6), dbSNP rs750020087, ClinGen allele CA10053554.
Genomic context (GRCh38, chr21:44,330,725, plus strand): 5'-ACGCAGCTCCCCCTGGGGCACAGCTCTTCAAGGCCCTGTGAGGCTCCATGCTCCCTCCCC[A>C]CGGGGCCCTGTGAGGCTCCATGCTCCCTCCCCACGGTTTCTGTGCAGTGGGTGCAGTGGG-3'